The following is an entry in ClinVar:

ClinVar aggregate classification (germline): Pathogenic/Likely pathogenic. Review status: criteria provided, multiple submitters, no conflicts (2 of 4 stars). 6 submissions from 6 submitters: Pathogenic (5); Likely pathogenic (1). Last evaluated 2026-02-01.

Conditions:
Hereditary cancer-predisposing syndrome. Also called: Neoplastic Syndromes, Hereditary; Hereditary Cancer Syndrome; Hereditary neoplastic syndrome; Tumor predisposition. Identifiers: Orphanet 140162, MedGen C0027672, MeSH D009386, MONDO:0015356.
Familial cancer of breast. Also called: Hereditary breast cancer; hereditary breast carcinoma; BREAST CANCER, FAMILIAL. Identifiers: Orphanet 227535, MedGen C0346153, MONDO:0016419, OMIM 114480. Disease mechanism: loss of function.
Ataxia-telangiectasia syndrome (AT). Also called: Cerebello-oculocutaneous telangiectasia; Immunodeficiency with ataxia telangiectasia; Ataxia-telangiectasia, complementation group D; AT, COMPLEMENTATION GROUP C; ATAXIA-TELANGIECTASIA, FRESNO VARIANT; ATAXIA-TELANGIECTASIA, COMPLEMENTATION GROUP A. Identifiers: Orphanet 100, MedGen C0004135, MONDO:0008840, OMIM 208900.

Submissions (6):

Labcorp Genetics (formerly Invitae), Labcorp
Classification: Pathogenic for Ataxia-telangiectasia syndrome. Last evaluated: 2026-02-01. Review status: criteria provided, single submitter. Criteria: Invitae Variant Classification Sherloc (09022015). Collection method: clinical testing. Allele origin: germline.
Comment: This sequence change creates a premature translational stop signal (p.Leu1327*) in the ATM gene. It is expected to result in an absent or disrupted protein product. Loss-of-function variants in ATM are known to be pathogenic (PMID: 23807571, 25614872). This variant is not present in population databases (gnomAD no frequency). This variant has not been reported in the literature in individuals affected with ATM-related conditions. ClinVar contains an entry for this variant (Variation ID: 142039). For these reasons, this variant has been classified as Pathogenic.

Ambry Genetics
Classification: Pathogenic for Hereditary cancer-predisposing syndrome. Last evaluated: 2025-03-28. Review status: criteria provided, single submitter. Criteria: Ambry Variant Classification Scheme 2023. Collection method: clinical testing. Allele origin: germline.
Comment: The p.L1327* pathogenic mutation (also known as c.3980T>G), located in coding exon 25 of the ATM gene, results from a T to G substitution at nucleotide position 3980. This changes the amino acid from a leucine to a stop codon within coding exon 25. This variant is considered to be rare based on population cohorts in the Genome Aggregation Database (gnomAD). This alteration is expected to result in loss of function by premature protein truncation or nonsense-mediated mRNA decay. As such, this alteration is interpreted as a disease-causing mutation.

GeneDx
Classification: Pathogenic. Last evaluated: 2024-09-25. Review status: criteria provided, single submitter. Criteria: GeneDx Variant Classification Process June 2021. Collection method: clinical testing. Allele origin: germline. Affected: yes.
Comment: Nonsense variant predicted to result in protein truncation or nonsense mediated decay in a gene for which loss of function is a known mechanism of disease; Observed in an individual with prostate cancer (PMID: 32853339); Not observed at significant frequency in large population cohorts (gnomAD); Truncating variants in this gene are considered pathogenic by a well-established clinical consortium and/or database; This variant is associated with the following publications: (PMID: 28152038, 32853339)

Myriad Genetics, Inc.
Classification: Pathogenic for Familial cancer of breast. Last evaluated: 2024-01-23. Review status: criteria provided, single submitter. Criteria: Myriad Autosomal Dominant, Autosomal Recessive and X-Linked Classification Criteria (2023). Collection method: clinical testing. Allele origin: unknown.
Comment: This variant is considered pathogenic. This variant creates a termination codon and is predicted to result in premature protein truncation.

Baylor Genetics
Classification: Likely pathogenic for Familial cancer of breast. Last evaluated: 2023-11-06. Review status: criteria provided, single submitter. Criteria: ACMG Guidelines, 2015. Collection method: clinical testing. Allele origin: unknown.

Color Diagnostics, LLC DBA Color Health
Classification: Pathogenic for Hereditary cancer-predisposing syndrome. Last evaluated: 2021-04-28. Review status: criteria provided, single submitter. Criteria: ACMG Guidelines, 2015. Collection method: clinical testing. Allele origin: germline.
Comment: This variant changes 1 nucleotide in exon 26 of the ATM gene, creating a premature translation stop signal. This variant is expected to result in an absent or non-functional protein product. To our knowledge, this variant has not been reported in individuals affected with hereditary cancer in the literature. This variant has not been identified in the general population by the Genome Aggregation Database (gnomAD). Loss of ATM function is a known mechanism of disease. Based on the available evidence, this variant is classified as Pathogenic.

Literature cited by the submitters: PubMed 23807571 (cited by Labcorp Genetics (formerly Invitae), Labcorp); PubMed 25614872 (cited by Labcorp Genetics (formerly Invitae), Labcorp).

NM_000051.4(ATM):c.3980T>G (p.Leu1327Ter)

Gene: ATM (ATM serine/threonine kinase; plus strand). Cytogenetic location: 11q22.3.
Variant type: single nucleotide variant.
Coding change: c.3980T>G on transcript NM_000051.4 (MANE Select); coding-DNA position 3980, T replaced by G.
Protein change: p.Leu1327Ter; replaces leucine 1327 with a stop codon.
Molecular consequence: nonsense.
Genome position (GRCh38, 1-based): chr11:108,284,460, T>G. VCF-style: chr11-108284460-T-G. GRCh37 (hg19) VCF-style: chr11-108155187-T-G.
Other names: c.3980T>G, p.Leu1327Ter (NM_001351834.2); short protein forms L1327*.
Identifiers: ClinVar variation 142039 (VCV000142039.20), dbSNP rs587782192, ClinGen allele CA167215.